The following is an entry in ClinVar:

NM_018082.6(POLR3B):c.2701C>A (p.His901Asn)

Gene: POLR3B (RNA polymerase III subunit B; plus strand). Cytogenetic location: 12q23.3.
Variant type: single nucleotide variant.
Coding change: c.2701C>A on transcript NM_018082.6 (MANE Select); coding-DNA position 2701, C replaced by A.
Protein change: p.His901Asn; replaces histidine 901 with asparagine.
Molecular consequence: missense variant.
Genome position (GRCh38, 1-based): chr12:106,463,608, C>A. VCF-style: chr12-106463608-C-A. GRCh37 (hg19) VCF-style: chr12-106857386-C-A.
Other names: c.2527C>A, p.His843Asn (NM_001160708.2); short protein forms H843N, H901N.
Identifiers: ClinVar variation 5002039 (VCV005002039.1).

ClinVar aggregate classification (germline): Uncertain significance (1 of 4 stars; one submission).

Conditions:
POLR3B-related disorder. Also called: POLR3B-related condition; POLR3B-related disorders. Identifiers: MedGen CN378588, MONDO:0700277.

Submission:

PreventionGenetics, part of Exact Sciences
Classification: Uncertain significance for POLR3B-related condition. Last evaluated: 2025-06-04. Review status: criteria provided, single submitter. Criteria: ACMG Guidelines, 2015. Collection method: clinical testing. Allele origin: germline.
Comment: The POLR3B c.2701C>A variant is predicted to result in the amino acid substitution p.His901Asn. To our knowledge, this variant has not been reported in the literature or in a large population database (gnomAD), indicating this variant is rare. At this time, the clinical significance of this variant is uncertain due to the absence of conclusive functional and genetic evidence.